The following is an entry in ClinVar:

ClinVar aggregate classification (germline): Pathogenic. Review status: criteria provided, multiple submitters, no conflicts (2 of 4 stars). 2 submissions from 2 submitters: Pathogenic (2). Last evaluated 2024-04-16.

Conditions:
Fraser syndrome 1 (FRASRS1). Also called: CRYPTOPHTHALMOS WITH OTHER MALFORMATIONS. Identifiers: Orphanet 2052, MedGen C4551480, MONDO:0054737, OMIM 219000.

gnomAD v4.1: 2 of 1,613,848 alleles (0.00012%); highest among the groups gnomAD compares: Non-Finnish European, 0.00017%; no homozygotes.

Submissions (2):

Fulgent Genetics
Classification: Pathogenic for Fraser syndrome 1. Last evaluated: 2024-04-16. Review status: criteria provided, single submitter. Criteria: ACMG Guidelines, 2015. Collection method: clinical testing. Allele origin: germline.

Service de Biochimie Médicale et Biologie Moléculaire, CHU Clermont-Ferrand
Classification: Pathogenic for Fraser syndrome 1. Last evaluated: 2018-09-14. Review status: criteria provided, single submitter. Criteria: ACMG Guidelines, 2015. Collection method: clinical testing. Allele origin: inherited. Inheritance: Autosomal recessive inheritance. Affected: yes.
Comment: This variant in homozygous state or compound heterozygous state induced Fraser syndrome phenotype

Literature cited by the submitters: PubMed 18671281 (cited by Service de Biochimie Médicale et Biologie Moléculaire, CHU Clermont-Ferrand).

NM_025074.7(FRAS1):c.9627C>A (p.Tyr3209Ter)

Gene: FRAS1 (Fraser extracellular matrix complex subunit 1; plus strand). Cytogenetic location: 4q21.21.
Variant type: single nucleotide variant.
Coding change: c.9627C>A on transcript NM_025074.7 (MANE Select); coding-DNA position 9627, C replaced by A.
Protein change: p.Tyr3209Ter; replaces tyrosine 3209 with a stop codon.
Molecular consequence: nonsense.
Genome position (GRCh38, 1-based): chr4:78,508,853, C>A. VCF-style: chr4-78508853-C-A. GRCh37 (hg19) VCF-style: chr4-79430007-C-A.
Other names: short protein forms Y3209*.
Identifiers: ClinVar variation 916666 (VCV000916666.2), dbSNP rs377369857, ClinGen allele CA357380458.
Genomic context (GRCh38, chr4:78,508,853, plus strand): 5'-CCCCTCCCCAGGCTACCCACTGGTCTGTGTCACCCCCTGCGACCCTCATTTCCCCAGATA[C>A]GCTGTCATGAAGGAGCGCTGCAGTGAGGCCGGCATCAACCAGACATCTGTGCAGTTCAGC-3'